The following is an entry in ClinVar:

NM_001193315.2(VIPAS39):c.682del (p.Ile228fs)

Gene: VIPAS39 (VPS33B interacting protein, apical-basolateral polarity regulator, spe-39 homolog; minus strand). Cytogenetic location: 14q24.3.
Variant type: Deletion.
Coding change: c.682del on transcript NM_001193315.2 (MANE Select); coding-DNA position 682, one base deleted (A; older notation c.682delA).
Protein change: p.Ile228fs; shifts the reading frame from isoleucine 228.
Molecular consequence: frameshift variant. On other transcripts: non-coding transcript variant (1).
Genome position (GRCh38, 1-based): chr14:77,442,612, T deleted on the plus strand (A on the coding strand, the reverse complement: VIPAS39 is on the minus strand). VCF-style (leftmost placement, unchanged base first): chr14-77442611-AT-A. GRCh37 (hg19) VCF-style: chr14-77908954-AT-A.
Other names: c.535del, p.Ile179fs (NM_001400325.1, NM_001193316.2, NM_001400324.1); c.682del, p.Ile228fs (NM_001400326.1, NM_001400330.1, NM_001400331.1 and 8 more transcripts); c.649del, p.Ile217fs (NM_001400327.1); c.589del, p.Ile197fs (NM_001400333.1, NM_001400334.1); c.442del, p.Ile148fs (NM_001400337.1); short protein forms I197fs, I228fs, I148fs, I179fs, I217fs.
Identifiers: ClinVar variation 2119376 (VCV002119376.4), dbSNP rs2503216999, ClinGen allele CA2580088827.

ClinVar aggregate classification (germline): Pathogenic (1 of 4 stars; one submission).

Submission:

Labcorp Genetics (formerly Invitae), Labcorp
Classification: Pathogenic. Last evaluated: 2022-04-06. Review status: criteria provided, single submitter. Criteria: Invitae Variant Classification Sherloc (09022015). Collection method: clinical testing. Allele origin: germline.
Comment: For these reasons, this variant has been classified as Pathogenic. Algorithms developed to predict the effect of sequence changes on RNA splicing suggest that this variant may disrupt the consensus splice site. This variant has not been reported in the literature in individuals affected with VIPAS39-related conditions. This variant is not present in population databases (gnomAD no frequency). This sequence change creates a premature translational stop signal (p.Ile228Phefs*7) in the VIPAS39 gene. It is expected to result in an absent or disrupted protein product. Loss-of-function variants in VIPAS39 are known to be pathogenic (PMID: 20190753, 22753090).

Literature cited by the submitters: PubMed 20190753; PubMed 22753090.